The following is an entry in ClinVar:

ClinVar aggregate classification (germline): Uncertain significance (1 of 4 stars; one submission).

Submission:

Labcorp Genetics (formerly Invitae), Labcorp
Classification: Uncertain significance. Last evaluated: 2024-10-15. Review status: criteria provided, single submitter. Criteria: Invitae Variant Classification Sherloc (09022015). Collection method: clinical testing. Allele origin: germline.
Comment: This sequence change replaces isoleucine, which is neutral and non-polar, with threonine, which is neutral and polar, at codon 433 of the IL1RAPL1 protein (p.Ile433Thr). This variant is not present in population databases (gnomAD no frequency). This variant has not been reported in the literature in individuals affected with IL1RAPL1-related conditions. An algorithm developed to predict the effect of missense changes on protein structure and function (PolyPhen-2) suggests that this variant is likely to be disruptive. In summary, the available evidence is currently insufficient to determine the role of this variant in disease. Therefore, it has been classified as a Variant of Uncertain Significance.

NM_014271.4(IL1RAPL1):c.1298T>C (p.Ile433Thr)

Gene: IL1RAPL1 (interleukin 1 receptor accessory protein like 1; plus strand). Cytogenetic location: Xp21.2.
Variant type: single nucleotide variant.
Coding change: c.1298T>C on transcript NM_014271.4 (MANE Select); coding-DNA position 1298, T replaced by C.
Protein change: p.Ile433Thr; replaces isoleucine 433 with threonine.
Molecular consequence: missense variant.
Genome position (GRCh38, 1-based): chrX:29,954,618, T>C. VCF-style: chrX-29954618-T-C. GRCh37 (hg19) VCF-style: chrX-29972735-T-C.
Other names: short protein forms I433T.
Identifiers: ClinVar variation 3605194 (VCV003605194.2).
Genomic context (GRCh38, chrX:29,954,618, plus strand): 5'-AAGTGGATCCTGACCAGTGGAATCAAGAGACTGGGGAAGAAGAACGTTTTGCCCTTGAAA[T>C]CCTACCTGATATGCTTGAAAAGCATTATGGATATAAGTTGTTTATACCAGATAGAGATTT-3'
Protein context (NP_055086.1, residues 423-443): TGEEERFALE[Ile433Thr]LPDMLEKHYG